The following is an entry in ClinVar:

NM_000321.3(RB1):c.771del (p.Asn258fs)

Gene: RB1 (RB transcriptional corepressor 1; plus strand). Cytogenetic location: 13q14.2.
Variant type: Deletion.
Coding change: c.771del on transcript NM_000321.3 (MANE Select); coding-DNA position 771, one base deleted (G; older notation c.771delG).
Protein change: p.Asn258fs; shifts the reading frame from asparagine 258.
Molecular consequence: frameshift variant.
Genome position (GRCh38, 1-based): chr13:48,362,867, G deleted. VCF-style (leftmost placement, unchanged base first): chr13-48362866-AG-A. GRCh37 (hg19) VCF-style: chr13-48937002-AG-A.
Other names: c.771del, p.Asn258fs (NM_001407165.1, NM_001407166.1); short protein forms N258fs.
Identifiers: ClinVar variation 4759387 (VCV004759387.1).

ClinVar aggregate classification (germline): Pathogenic (1 of 4 stars; one submission).

Conditions:
Hereditary retinoblastoma. Identifiers: Orphanet 357027, MedGen C0751483, MONDO:0018160.

Submission:

Ramesar Group, Division of Human Genetics, Institute of Infectious Diseases and Molecular Medicine, UCT/MRC Genomic and Precision Medicine Research Unit, University of Cape Town
Classification: Pathogenic for Hereditary retinoblastoma. Last evaluated: 2025-09-17. Review status: criteria provided, single submitter. Criteria: ACMG Guidelines, 2015. Collection method: research. Allele origin: germline. Affected: yes. Observed: 1 variant allele.